The following is an entry in ClinVar:

NM_002016.2(FLG):c.803C>A (p.Ser268Ter)

Genes: CCDST (cervical cancer associated DHX9 suppressive transcript; plus strand), FLG (filaggrin; minus strand). Cytogenetic location: 1q21.3.
Variant type: single nucleotide variant.
Coding change: c.803C>A on transcript NM_002016.2 (MANE Select); coding-DNA position 803, C replaced by A.
Protein change: p.Ser268Ter; replaces serine 268 with a stop codon.
Molecular consequence: nonsense.
Genome position (GRCh38, 1-based): chr1:152,314,083, G>T on the plus strand (C>A on the coding strand, the complement: FLG is on the minus strand). VCF-style: chr1-152314083-G-T. GRCh37 (hg19) VCF-style: chr1-152286559-G-T.
Other names: short protein forms S268*.
Identifiers: ClinVar variation 4884731 (VCV004884731.1).

ClinVar aggregate classification (germline): Likely pathogenic (1 of 4 stars; one submission).

Conditions:
Ichthyosis and erythrokeratoderma.

gnomAD v4.1: 1 of 1,614,194 alleles (0.000062%); highest among the groups gnomAD compares: South Asian, 0.0011%; no homozygotes.

Submission:

Genetics Laboratory, Great Ormond Street Hospital NHS Foundation Trust, North Thames Genomic Laboratory Hub
Classification: Likely pathogenic for Ichthyosis and erythrokeratoderma. Last evaluated: 2026-06-18. Review status: criteria provided, single submitter. Criteria: ACGS Best Practice Guidelines for Variant Classification in Rare Disease 2024 v1.2. Collection method: clinical testing. Allele origin: germline. Affected: yes.
Comment: PM2_moderate, PVS1_strong